The following is an entry in ClinVar:

ClinVar aggregate classification (germline): Pathogenic (1 of 4 stars; one submission).

Conditions:
Neurofibromatosis, type 1 (NF1). Also called: Peripheral type neurofibromatosis; VON RECKLINGHAUSEN DISEASE; NEUROFIBROMATOSIS, TYPE I, SOMATIC; Neurofibromatosis, type I. Identifiers: Orphanet 636, MedGen C0027831, MONDO:0018975, OMIM 162200. Disease mechanism: loss of function.

Submission:

Labcorp Genetics (formerly Invitae), Labcorp
Classification: Pathogenic for Neurofibromatosis, type 1. Last evaluated: 2024-08-15. Review status: criteria provided, single submitter. Criteria: Invitae Variant Classification Sherloc (09022015). Collection method: clinical testing. Allele origin: germline.
Comment: This sequence change creates a premature translational stop signal (p.Glu106*) in the NF1 gene. It is expected to result in an absent or disrupted protein product. Loss-of-function variants in NF1 are known to be pathogenic (PMID: 10712197, 23913538). This variant is not present in population databases (gnomAD no frequency). This variant has not been reported in the literature in individuals affected with NF1-related conditions. For these reasons, this variant has been classified as Pathogenic.

Literature cited by the submitters: PubMed 10712197; PubMed 23913538.

NM_001042492.3(NF1):c.316G>T (p.Glu106Ter)

Gene: NF1 (neurofibromin 1; plus strand). Cytogenetic location: 17q11.2.
Variant type: single nucleotide variant.
Coding change: c.316G>T on transcript NM_001042492.3 (MANE Select); coding-DNA position 316, G replaced by T.
Protein change: p.Glu106Ter; replaces glutamic acid 106 with a stop codon.
Molecular consequence: nonsense.
Genome position (GRCh38, 1-based): chr17:31,163,213, G>T. VCF-style: chr17-31163213-G-T. GRCh37 (hg19) VCF-style: chr17-29490231-G-T.
Other names: c.316G>T, p.Glu106Ter (NM_000267.4, NM_001128147.3); short protein forms E106*.
Identifiers: ClinVar variation 3662538 (VCV003662538.2).